The following is an entry in ClinVar:

NM_198578.4(LRRK2):c.199G>C (p.Val67Leu)

Gene: LRRK2 (leucine rich repeat kinase 2; plus strand). Cytogenetic location: 12q12.
Variant type: single nucleotide variant.
Coding change: c.199G>C on transcript NM_198578.4 (MANE Select); coding-DNA position 199, G replaced by C.
Protein change: p.Val67Leu; replaces valine 67 with leucine.
Molecular consequence: missense variant.
Genome position (GRCh38, 1-based): chr12:40,225,602, G>C. VCF-style: chr12-40225602-G-C. GRCh37 (hg19) VCF-style: chr12-40619404-G-C.
Other names: short protein forms V67L.
Identifiers: ClinVar variation 1784142 (VCV001784142.3), dbSNP rs1940833181, ClinGen allele CA384399223.

ClinVar aggregate classification (germline): Uncertain significance (1 of 4 stars; one submission).

Conditions:
Inborn genetic diseases. Identifiers: MedGen C0950123, MeSH D030342.

Allele frequency attached by ClinVar (database versions not stated): TOPMed below 0.00001; gnomAD 0.00001.
gnomAD v4.1: 1 of 1,613,924 alleles (0.000062%); highest among the groups gnomAD compares: Non-Finnish European, 0.000085%; no homozygotes.

Submission:

Ambry Genetics
Classification: Uncertain significance for Inborn genetic diseases. Last evaluated: 2024-11-03. Review status: criteria provided, single submitter. Criteria: Ambry Variant Classification Scheme 2023. Collection method: clinical testing. Allele origin: germline.
Comment: The p.V67L variant (also known as c.199G>C), located in coding exon 2 of the LRRK2 gene, results from a G to C substitution at nucleotide position 199. The valine at codon 67 is replaced by leucine, an amino acid with highly similar properties. This amino acid position is conserved. In addition, this alteration is predicted to be tolerated by in silico analysis. Since supporting evidence is limited at this time, the clinical significance of this alteration remains unclear.